The following is an entry in ClinVar:

NM_138694.4(PKHD1):c.852dup (p.Asp285Ter)

Gene: PKHD1 (PKHD1 ciliary IPT domain containing fibrocystin/polyductin; minus strand). Cytogenetic location: 6p12.2.
Variant type: Duplication.
Coding change: c.852dup on transcript NM_138694.4 (MANE Select); coding-DNA position 852, one base duplicated (T; older notation c.852dupT).
Protein change: p.Asp285Ter; replaces aspartic acid 285 with a stop codon.
Molecular consequence: nonsense.
Genome position (GRCh38, 1-based): chr6:52,066,004, A duplicated on the plus strand (T on the coding strand, the reverse complement: PKHD1 is on the minus strand); the first of 6 consecutive A bases (chr6:52,066,004-52,066,009); duplicating any one gives the same sequence. VCF-style (leftmost placement, unchanged base first): chr6-52066003-C-CA. GRCh37 (hg19) VCF-style: chr6-51930801-C-CA.
Other names: c.852dupT (NM_138694.3); c.852dup, p.Asp285Ter (NM_170724.3); short protein forms D285*.
Identifiers: ClinVar variation 1454835 (VCV001454835.8), dbSNP rs2128223990, ClinGen allele CA645562176.
Genomic context (GRCh38, chr6:52,066,003, plus strand): 5'-ATGAACTATTTTCAGCCATTTCATCATAGTTACCTGCAATGGTAACCTGGGCAGAATTGT[C>CA]AAAAAAGTCTCCTGTAATTGTGATGTTTGTTCTTCCCCCAAGGCTCCCAGTTTCTGGAAA-3'

ClinVar aggregate classification (germline): Pathogenic/Likely pathogenic. Review status: criteria provided, multiple submitters, no conflicts (2 of 4 stars). 3 submissions from 3 submitters: Pathogenic (1); Likely pathogenic (2). Last evaluated 2025-03-25.

Conditions:
Polycystic kidney disease 4 (PKD4). Also called: POLYCYSTIC KIDNEY DISEASE 4 WITH OR WITHOUT POLYCYSTIC LIVER DISEASE; PKD3; Autosomal Recessive Polycystic Kidney Disease – PKHD1; POLYCYSTIC KIDNEY AND HEPATIC DISEASE 1; POLYCYSTIC KIDNEY DISEASE, INFANTILE, TYPE I. Identifiers: MedGen C4540575, MONDO:0033004, OMIM 263200.
Autosomal recessive polycystic kidney disease (ARPKD). Also called: AR polycystic kidney disease. Identifiers: Orphanet 731, Orphanet 8378, MedGen C0085548, MeSH D017044, MONDO:0009889.

Submissions (3):

Natera, Inc.
Classification: Likely pathogenic for Autosomal recessive polycystic kidney disease. Last evaluated: 2025-03-25. Review status: criteria provided, single submitter. Criteria: Natera Variant Classification Schema (03/2026). Collection method: clinical testing. Allele origin: germline.
Comment: The c.852dupT variant in PKHD1 is a frameshift variant predicted to shift the reading frame and introduce a stop codon. This variant is expected to result in nonsense mediated decay, truncation, or a dysfunctional protein product. This variant is rare in the general population with a frequency below the threshold expected for the associated phenotype(s). Given the available evidence, this variant is classified as Likely Pathogenic.

Baylor Genetics
Classification: Likely pathogenic for Polycystic kidney disease 4. Last evaluated: 2022-06-01. Review status: criteria provided, single submitter. Criteria: ACMG Guidelines, 2015. Collection method: clinical testing. Allele origin: unknown.

Labcorp Genetics (formerly Invitae), Labcorp
Classification: Pathogenic for Autosomal recessive polycystic kidney disease. Last evaluated: 2020-11-17. Review status: criteria provided, single submitter. Criteria: Invitae Variant Classification Sherloc (09022015). Collection method: clinical testing. Allele origin: germline.
Comment: This sequence change creates a premature translational stop signal (p.Asp285*) in the PKHD1 gene. It is expected to result in an absent or disrupted protein product. Loss-of-function variants in PKHD1 are known to be pathogenic (PMID: 19940839). For these reasons, this variant has been classified as Pathogenic. This variant has not been reported in the literature in individuals with PKHD1-related conditions. This variant is not present in population databases (ExAC no frequency).

Literature cited by the submitters: PubMed 19940839 (cited by Labcorp Genetics (formerly Invitae), Labcorp).